The following is an entry in ClinVar:

ClinVar aggregate classification (germline): Pathogenic. Review status: reviewed by expert panel (3 of 4 stars). 3 submissions from 3 submitters: Pathogenic (1). 2 of the submissions do not count toward it. Last evaluated 2016-04-22.

Conditions:
Breast-ovarian cancer, familial, susceptibility to, 1 (BROVCA1). Also called: BRCA1 Hereditary Breast and Ovarian Cancer; OVARIAN CANCER, SUSCEPTIBILITY TO. Identifiers: Orphanet 145, MedGen C2676676, MONDO:0011450, OMIM 604370. Disease mechanism: loss of function.
Hereditary breast ovarian cancer syndrome. Also called: Breast and ovarian cancer; Hereditary breast and ovarian cancer; Hereditary breast and ovarian cancer syndrome; Hereditary breast and/or ovarian cancer syndrome; BRCA1- and BRCA2-Associated Hereditary Breast and Ovarian Cancer; Hereditary breast and ovarian cancer syndrome (HBOC). Identifiers: Orphanet 145, MedGen C0677776, MeSH D061325, MONDO:0003582. Disease mechanism: loss of function.

Submissions (3):

Evidence-based Network for the Interpretation of Germline Mutant Alleles (ENIGMA)
Classification: Pathogenic for Breast-ovarian cancer, familial, susceptibility to, 1. Last evaluated: 2016-04-22. Review status: reviewed by expert panel. Criteria: ENIGMA BRCA1/2 Classification Criteria (2015). Collection method: curation. Allele origin: germline.
Comment: Variant allele predicted to encode a truncated non-functional protein.

Labcorp Genetics (formerly Invitae), Labcorp
Classification: Pathogenic for Hereditary breast ovarian cancer syndrome. Last evaluated: 2023-02-08. Review status: criteria provided, single submitter. Criteria: Invitae Variant Classification Sherloc (09022015). Collection method: clinical testing. Allele origin: germline. Not counted in ClinVar's aggregate classification.
Comment: This sequence change creates a premature translational stop signal (p.Glu1526*) in the BRCA1 gene. It is expected to result in an absent or disrupted protein product. Loss-of-function variants in BRCA1 are known to be pathogenic (PMID: 20104584). This variant is not present in population databases (gnomAD no frequency). This premature translational stop signal has been observed in individual(s) with personal or family history of breast and/or ovarian cancer (PMID: 29446198). ClinVar contains an entry for this variant (Variation ID: 236272). Algorithms developed to predict the effect of sequence changes on RNA splicing suggest that this variant may disrupt the consensus splice site. For these reasons, this variant has been classified as Pathogenic.

Consortium of Investigators of Modifiers of BRCA1/2 (CIMBA), c/o University of Cambridge
Classification: Pathogenic for Breast-ovarian cancer, familial, susceptibility to, 1. Last evaluated: 2015-10-02. Review status: criteria provided, single submitter. Criteria: CIMBA Mutation Classification guidelines May 2016. Collection method: clinical testing. Allele origin: germline. Not counted in ClinVar's aggregate classification.

Literature cited by the submitters: PubMed 20104584 (cited by Labcorp Genetics (formerly Invitae), Labcorp); PubMed 29446198 (cited by Labcorp Genetics (formerly Invitae), Labcorp).

NM_007294.4(BRCA1):c.4576G>T (p.Glu1526Ter)

Gene: BRCA1 (BRCA1 DNA repair associated; minus strand). Cytogenetic location: 17q21.31.
Variant type: single nucleotide variant.
Coding change: c.4576G>T on transcript NM_007294.4 (MANE Select); coding-DNA position 4576, G replaced by T.
Protein change: p.Glu1526Ter; replaces glutamic acid 1526 with a stop codon.
Molecular consequence: nonsense. On other transcripts: non-coding transcript variant (1).
Genome position (GRCh38, 1-based): chr17:43,074,430, C>A on the plus strand (G>T on the coding strand, the complement: BRCA1 is on the minus strand). VCF-style: chr17-43074430-C-A. GRCh37 (hg19) VCF-style: chr17-41226447-C-A.
Other names: 4695G>T; c.4363G>T, p.Glu1455Ter (NM_001407571.1, NM_001407898.1, NM_001407899.1 and 12 more transcripts); c.4642G>T, p.Glu1548Ter (NM_001407581.1, NM_001407582.1); c.4639G>T, p.Glu1547Ter (NM_001407583.1, NM_001407585.1, NM_001407587.1 and 1 more transcripts); c.4636G>T, p.Glu1546Ter (NM_001407590.1, NM_001407591.1); c.4576G>T, p.Glu1526Ter (NM_001407593.1, NM_001407594.1, NM_001407596.1 and 8 more transcripts); c.4573G>T, p.Glu1525Ter (NM_001407610.1, NM_001407611.1, NM_001407612.1 and 17 more transcripts); c.4570G>T, p.Glu1524Ter (NM_001407627.1, NM_001407628.1, NM_001407629.1 and 14 more transcripts); and 69 more; short protein forms E1526*, E422*, E1547*, E1479*, E1399*, E1414*, E1457*, E1459*.
Identifiers: ClinVar variation 236272 (VCV000236272.9), dbSNP rs878853294, ClinGen allele CA10581598.